The following is an entry in ClinVar:

ClinVar aggregate classification (germline): Uncertain significance. Review status: criteria provided, multiple submitters, no conflicts (2 of 4 stars). 2 submissions from 2 submitters: Uncertain significance (2). Last evaluated 2025-09-04.

Conditions:
Retinoblastoma (RB1). Also called: RETINOBLASTOMA, SOMATIC. Identifiers: Orphanet 790, MedGen C0035335, MeSH D012175, MONDO:0008380, OMIM 180200, HP:0009919. Disease mechanism: loss of function. Inheritance: Both sporadic and heritable forms are tested..
Hereditary cancer-predisposing syndrome. Also called: Hereditary Cancer Syndrome; Tumor predisposition; Hereditary neoplastic syndrome; Neoplastic Syndromes, Hereditary. Identifiers: Orphanet 140162, MedGen C0027672, MeSH D009386, MONDO:0015356.

Submissions (2):

Ambry Genetics
Classification: Uncertain significance for Hereditary cancer-predisposing syndrome. Last evaluated: 2025-09-04. Review status: criteria provided, single submitter. Criteria: Ambry Variant Classification Scheme 2023. Collection method: clinical testing. Allele origin: germline.
Comment: The p.L389F variant (also known as c.1167A>C), located in coding exon 12 of the RB1 gene, results from an A to C substitution at nucleotide position 1167. The leucine at codon 389 is replaced by phenylalanine, an amino acid with highly similar properties. This amino acid position is conserved. In addition, the in silico prediction for this alteration is inconclusive. Based on the available evidence, the clinical significance of this variant remains unclear.

Labcorp Genetics (formerly Invitae), Labcorp
Classification: Uncertain significance for Retinoblastoma. Last evaluated: 2023-02-18. Review status: criteria provided, single submitter. Criteria: Invitae Variant Classification Sherloc (09022015). Collection method: clinical testing. Allele origin: germline.
Comment: This variant has not been reported in the literature in individuals affected with RB1-related conditions. In summary, the available evidence is currently insufficient to determine the role of this variant in disease. Therefore, it has been classified as a Variant of Uncertain Significance. Advanced modeling of protein sequence and biophysical properties (such as structural, functional, and spatial information, amino acid conservation, physicochemical variation, residue mobility, and thermodynamic stability) has been performed at Invitae for this missense variant, however the output from this modeling did not meet the statistical confidence thresholds required to predict the impact of this variant on RB1 protein function. ClinVar contains an entry for this variant (Variation ID: 1410164). This variant is not present in population databases (gnomAD no frequency). This sequence change replaces leucine, which is neutral and non-polar, with phenylalanine, which is neutral and non-polar, at codon 389 of the RB1 protein (p.Leu389Phe).

NM_000321.3(RB1):c.1167A>C (p.Leu389Phe)

Gene: RB1 (RB transcriptional corepressor 1; plus strand). Cytogenetic location: 13q14.2.
Variant type: single nucleotide variant.
Coding change: c.1167A>C on transcript NM_000321.3 (MANE Select); coding-DNA position 1167, A replaced by C.
Protein change: p.Leu389Phe; replaces leucine 389 with phenylalanine.
Molecular consequence: missense variant.
Genome position (GRCh38, 1-based): chr13:48,373,444, A>C. VCF-style: chr13-48373444-A-C. GRCh37 (hg19) VCF-style: chr13-48947580-A-C.
Other names: short protein forms L389F.
Identifiers: ClinVar variation 1410164 (VCV001410164.11), dbSNP rs1952784310, ClinGen allele CA388161515.